The following is an entry in ClinVar:

NM_000368.5(TSC1):c.3298A>T (p.Ser1100Cys)

Gene: TSC1 (TSC complex subunit 1; minus strand). Cytogenetic location: 9q34.13.
Variant type: single nucleotide variant.
Coding change: c.3298A>T on transcript NM_000368.5 (MANE Select); coding-DNA position 3298, A replaced by T.
Protein change: p.Ser1100Cys; replaces serine 1100 with cysteine.
Molecular consequence: missense variant.
Genome position (GRCh38, 1-based): chr9:132,896,432, T>A on the plus strand (A>T on the coding strand, the complement: TSC1 is on the minus strand). VCF-style: chr9-132896432-T-A. GRCh37 (hg19) VCF-style: chr9-135771819-T-A.
Other names: c.2935A>T, p.Ser979Cys (NM_001362177.2); c.3295A>T, p.Ser1099Cys (NM_001162426.2); c.3145A>T, p.Ser1049Cys (NM_001162427.2); c.3298A>T (NM_000368.4); short protein forms S1049C, S1099C, S1100C, S979C.
Identifiers: ClinVar variation 1023373 (VCV001023373.9), dbSNP rs1845047652, ClinGen allele CA375366680.

ClinVar aggregate classification (germline): Uncertain significance. Review status: criteria provided, multiple submitters, no conflicts (2 of 4 stars). 2 submissions from 2 submitters: Uncertain significance (2). Last evaluated 2026-07-06.

Conditions:
Hereditary cancer-predisposing syndrome. Also called: Tumor predisposition; Hereditary Cancer Syndrome; Hereditary neoplastic syndrome; Neoplastic Syndromes, Hereditary. Identifiers: Orphanet 140162, MedGen C0027672, MeSH D009386, MONDO:0015356.
Tuberous sclerosis 1 (TSC1). Identifiers: Orphanet 805, MedGen C1854465, MONDO:0008612, OMIM 191100.

Allele frequency attached by ClinVar (database versions not stated): gnomAD exomes below 0.00001.
gnomAD v4.1: 1 of 1,614,218 alleles (0.000062%); highest among the groups gnomAD compares: Non-Finnish European, 0.000085%; no homozygotes.

Submissions (2):

Ambry Genetics
Classification: Uncertain significance for Hereditary cancer-predisposing syndrome. Last evaluated: 2026-07-06. Review status: criteria provided, single submitter. Criteria: Ambry Variant Classification Scheme 2023. Collection method: clinical testing. Allele origin: germline.
Comment: The p.S1100C variant (also known as c.3298A>T), located in coding exon 21 of the TSC1 gene, results from an A to T substitution at nucleotide position 3298. The serine at codon 1100 is replaced by cysteine, an amino acid with dissimilar properties. This amino acid position is conserved. In addition, the in silico prediction for this alteration is inconclusive. Based on the available evidence, the clinical significance of this variant remains unclear.

Labcorp Genetics (formerly Invitae), Labcorp
Classification: Uncertain significance for Tuberous sclerosis 1. Last evaluated: 2020-07-15. Review status: criteria provided, single submitter. Criteria: Invitae Variant Classification Sherloc (09022015). Collection method: clinical testing. Allele origin: germline.
Comment: In summary, the available evidence is currently insufficient to determine the role of this variant in disease. Therefore, it has been classified as a Variant of Uncertain Significance. Algorithms developed to predict the effect of missense changes on protein structure and function are either unavailable or do not agree on the potential impact of this missense change (SIFT: "Deleterious"; PolyPhen-2: "Probably Damaging"; Align-GVGD: "Class C0"). This variant has not been reported in the literature in individuals with TSC1-related conditions. This variant is not present in population databases (ExAC no frequency). This sequence change replaces serine with cysteine at codon 1100 of the TSC1 protein (p.Ser1100Cys). The serine residue is highly conserved and there is a moderate physicochemical difference between serine and cysteine.